The following is an entry in ClinVar:

ClinVar aggregate classification (germline): Uncertain significance (1 of 4 stars; one submission).

Conditions:
Norman-Roberts syndrome (LIS2). Also called: Lissencephaly 2 (Norman-Roberts type). Identifiers: Orphanet 89844, MedGen C0796089, MONDO:0009760, OMIM 257320.
Familial temporal lobe epilepsy 7. Identifiers: Orphanet 101046, MedGen C4225327, MONDO:0014639, OMIM 616436.

gnomAD v4.1: 6 of 1,613,954 alleles (0.00037%); highest among the groups gnomAD compares: Non-Finnish European, 0.00051%; no homozygotes.

Submission:

Labcorp Genetics (formerly Invitae), Labcorp
Classification: Uncertain significance for Familial temporal lobe epilepsy 7; Norman-Roberts syndrome. Last evaluated: 2023-05-15. Review status: criteria provided, single submitter. Criteria: Invitae Variant Classification Sherloc (09022015). Collection method: clinical testing. Allele origin: germline.
Comment: This sequence change replaces proline, which is neutral and non-polar, with serine, which is neutral and polar, at codon 1399 of the RELN protein (p.Pro1399Ser). In summary, the available evidence is currently insufficient to determine the role of this variant in disease. Therefore, it has been classified as a Variant of Uncertain Significance. Advanced modeling of protein sequence and biophysical properties (such as structural, functional, and spatial information, amino acid conservation, physicochemical variation, residue mobility, and thermodynamic stability) performed at Invitae indicates that this missense variant is not expected to disrupt RELN protein function. This variant has not been reported in the literature in individuals affected with RELN-related conditions. This variant is not present in population databases (gnomAD no frequency).

NM_005045.4(RELN):c.4195C>T (p.Pro1399Ser)

Gene: RELN (reelin; minus strand). Cytogenetic location: 7q22.1.
Variant type: single nucleotide variant.
Coding change: c.4195C>T on transcript NM_005045.4 (MANE Select); coding-DNA position 4195, C replaced by T.
Protein change: p.Pro1399Ser; replaces proline 1399 with serine.
Molecular consequence: missense variant.
Genome position (GRCh38, 1-based): chr7:103,575,656, G>A on the plus strand (C>T on the coding strand, the complement: RELN is on the minus strand). VCF-style: chr7-103575656-G-A. GRCh37 (hg19) VCF-style: chr7-103216103-G-A.
Other names: c.4195C>T, p.Pro1399Ser (NM_173054.3); short protein forms P1399S.
Identifiers: ClinVar variation 2940476 (VCV002940476.3), dbSNP rs759880105, ClinGen allele CA368752466.